The following is an entry in ClinVar:

ClinVar aggregate classification (germline): Uncertain significance (1 of 4 stars; one submission).

Conditions:
Inborn genetic diseases. Identifiers: MedGen C0950123, MeSH D030342.

gnomAD v4.1: 1 of 1,614,136 alleles (0.000062%); highest among the groups gnomAD compares: Non-Finnish European, 0.000085%; no homozygotes.

Submission:

Ambry Genetics
Classification: Uncertain significance for Inborn genetic diseases. Last evaluated: 2025-02-24. Review status: criteria provided, single submitter. Criteria: Ambry Variant Classification Scheme 2023. Collection method: clinical testing. Allele origin: germline.
Comment: The p.N1003S variant (also known as c.3008A>G), located in coding exon 13 of the BMPR2 gene, results from an A to G substitution at nucleotide position 3008. The asparagine at codon 1003 is replaced by serine, an amino acid with highly similar properties. This amino acid position is conserved. In addition, this alteration is predicted to be tolerated by in silico analysis. Based on the available evidence, the clinical significance of this variant remains unclear.

NM_001204.7(BMPR2):c.3008A>G (p.Asn1003Ser)

Gene: BMPR2 (bone morphogenetic protein receptor type 2; plus strand). Cytogenetic location: 2q33.2.
Variant type: single nucleotide variant.
Coding change: c.3008A>G on transcript NM_001204.7 (MANE Select); coding-DNA position 3008, A replaced by G.
Protein change: p.Asn1003Ser; replaces asparagine 1003 with serine.
Molecular consequence: missense variant.
Genome position (GRCh38, 1-based): chr2:202,559,837, A>G. VCF-style: chr2-202559837-A-G. GRCh37 (hg19) VCF-style: chr2-203424560-A-G.
Other names: short protein forms N1003S.
Identifiers: ClinVar variation 3824926 (VCV003824926.1).